The following is an entry in ClinVar:

NM_016653.3(MAP3K20):c.736G>A (p.Asp246Asn)

Genes: MAP3K20 (mitogen-activated protein kinase kinase kinase 20; plus strand), MAP3K20-AS1 (MAP3K20 antisense RNA 1; minus strand). Cytogenetic location: 2q31.1.
Variant type: single nucleotide variant.
Coding change: c.736G>A on transcript NM_016653.3 (MANE Select); coding-DNA position 736, G replaced by A.
Protein change: p.Asp246Asn; replaces aspartic acid 246 with asparagine.
Molecular consequence: missense variant.
Genome position (GRCh38, 1-based): chr2:173,203,862, G>A. VCF-style: chr2-173203862-G-A. GRCh37 (hg19) VCF-style: chr2-174068590-G-A.
Other names: c.736G>A, p.Asp246Asn (NM_133646.3); short protein forms D246N.
Identifiers: ClinVar variation 2813030 (VCV002813030.3), dbSNP rs2468183532, ClinGen allele CA349313766.

ClinVar aggregate classification (germline): Uncertain significance (1 of 4 stars; one submission).

Submission:

Labcorp Genetics (formerly Invitae), Labcorp
Classification: Uncertain significance. Last evaluated: 2024-10-22. Review status: criteria provided, single submitter. Criteria: Invitae Variant Classification Sherloc (09022015). Collection method: clinical testing. Allele origin: germline.
Comment: This sequence change replaces aspartic acid, which is acidic and polar, with asparagine, which is neutral and polar, at codon 246 of the MAP3K20 protein (p.Asp246Asn). This variant is not present in population databases (gnomAD no frequency). This variant has not been reported in the literature in individuals affected with MAP3K20-related conditions. Invitae Evidence Modeling of protein sequence and biophysical properties (such as structural, functional, and spatial information, amino acid conservation, physicochemical variation, residue mobility, and thermodynamic stability) indicates that this missense variant is not expected to disrupt MAP3K20 protein function with a negative predictive value of 95%. In summary, the available evidence is currently insufficient to determine the role of this variant in disease. Therefore, it has been classified as a Variant of Uncertain Significance.